The following is an entry in ClinVar:

ClinVar aggregate classification (germline): Uncertain significance (1 of 4 stars; one submission).

Conditions:
Hereditary cancer-predisposing syndrome. Also called: Hereditary Cancer Syndrome; Hereditary neoplastic syndrome; Neoplastic Syndromes, Hereditary; Tumor predisposition. Identifiers: Orphanet 140162, MedGen C0027672, MeSH D009386, MONDO:0015356.

Submission:

Ambry Genetics
Classification: Uncertain significance for Hereditary cancer-predisposing syndrome. Last evaluated: 2022-07-08. Review status: criteria provided, single submitter. Criteria: Ambry Variant Classification Scheme 2023. Collection method: clinical testing. Allele origin: germline.
Comment: The c.1569_1579dup11 variant, located in coding exon 14 of the CHEK2 gene, results from a duplication of 11 nucleotides at nucleotide positions 1569 to 1579, causing a translational frameshift with a predicted alternate stop codon (p.A527Vfs*43). This alteration occurs at the 3' terminus of theCHEK2 gene, is not expected to trigger nonsense-mediated mRNAdecay and results in the elongation of the protein by 25 amino acids. This frameshift impacts the last 17 amino acids of the native protein. The exact functional effect of the altered amino acids is unknown. Since supporting evidence is limited at this time, the clinical significance of this alteration remains unclear.

NM_007194.4(CHEK2):c.1569_1579dup (p.Ala527fs)

Gene: CHEK2 (checkpoint kinase 2; minus strand). Cytogenetic location: 22q12.1.
Variant type: Duplication.
Coding change: c.1569_1579dup on transcript NM_007194.4 (MANE Select); coding-DNA positions 1569 to 1579, 11 bases duplicated (TGAAGGGGAAG).
Protein change: p.Ala527fs; shifts the reading frame from alanine 527.
Molecular consequence: frameshift variant.
Genome position (GRCh38, 1-based): chr22:28,687,950-28,687,960, CTTCCCCTTCA duplicated on the plus strand (TGAAGGGGAAG on the coding strand, the reverse complement: CHEK2 is on the minus strand); duplicating any 11 consecutive bases within chr22:28,687,950-28,687,961 gives the same sequence; the c. name uses the placement nearest the transcript's 3' end. VCF-style (leftmost placement, unchanged base first): chr22-28687949-G-GCTTCCCCTTCA. GRCh37 (hg19) VCF-style: chr22-29083937-G-GCTTCCCCTTCA.
Other names: c.1697_1707dup, p.Ala570Valfs (NM_001005735.3); c.905_915dup, p.Ala306Valfs (NM_001257387.3); c.1367_1377dup, p.Ala460Valfs (NM_001349956.3); c.1481_1491dup, p.Ala498Valfs (NM_145862.3); short protein forms A460fs, A570fs, A498fs, A306fs, A527fs.
Identifiers: ClinVar variation 1775421 (VCV001775421.2), dbSNP rs2517748455, ClinGen allele CA2580099510.